The following is an entry in ClinVar:

NM_003024.3(ITSN1):c.2567+1G>T

Gene: ITSN1 (intersectin 1; plus strand). Cytogenetic location: 21q22.11.
Variant type: single nucleotide variant.
Coding change: c.2567+1G>T on transcript NM_003024.3 (MANE Select); the canonical splice donor site of the intron after coding-DNA position 2567, G replaced by T.
Molecular consequence: splice donor variant.
Genome position (GRCh38, 1-based): chr21:33,811,223, G>T. VCF-style: chr21-33811223-G-T. GRCh37 (hg19) VCF-style: chr21-35183527-G-T.
Other names: c.2552+1G>T (NM_001331010.2, NM_001331009.2, NM_001331011.2); c.2567+1G>T (NM_001001132.2, NM_001331008.2); c.2441+1G>T (NM_001331012.2).
Identifiers: ClinVar variation 4527569 (VCV004527569.1).

ClinVar aggregate classification (germline): Uncertain significance (1 of 4 stars; one submission).

gnomAD v4.1: 24 of 1,574,356 alleles (0.0015%); highest among the groups gnomAD compares: Non-Finnish European, 0.0021%; no homozygotes.

Submission:

GeneDx
Classification: Uncertain significance. Last evaluated: 2025-04-24. Review status: criteria provided, single submitter. Criteria: GeneDx Variant Classification Process June 2021. Collection method: clinical testing. Allele origin: germline. Affected: yes.
Comment: Reported as a variant included in a case-control study of individuals with Parkinson disease, however clinical information on the individual(s) with the variant was not provided (PMID: 39147844); Canonical splice site variant predicted to result in a null allele in a gene for which loss of function is a known mechanism of disease; This variant is associated with the following publications: (PMID: 40056900, 39147844)